The following is an entry in ClinVar:

NM_006005.3(WFS1):c.1088A>G (p.Lys363Arg)

Gene: WFS1 (wolframin ER transmembrane glycoprotein; plus strand). Cytogenetic location: 4p16.1.
Variant type: single nucleotide variant.
Coding change: c.1088A>G on transcript NM_006005.3 (MANE Select); coding-DNA position 1088, A replaced by G.
Protein change: p.Lys363Arg; replaces lysine 363 with arginine.
Molecular consequence: missense variant.
Genome position (GRCh38, 1-based): chr4:6,300,883, A>G. VCF-style: chr4-6300883-A-G. GRCh37 (hg19) VCF-style: chr4-6302610-A-G.
Other names: c.1088A>G, p.Lys363Arg (NM_001145853.1); short protein forms K363R.
Identifiers: ClinVar variation 3590684 (VCV003590684.2).

ClinVar aggregate classification (germline): Uncertain significance. Review status: criteria provided, multiple submitters, no conflicts (2 of 4 stars). 2 submissions from 2 submitters: Uncertain significance (2). Last evaluated 2024-12-20.

Conditions:
Autosomal dominant nonsyndromic hearing loss 6 (LFSNHL). Also called: DEAFNESS, AUTOSOMAL DOMINANT 6; DEAFNESS, AUTOSOMAL DOMINANT 14; DEAFNESS, AUTOSOMAL DOMINANT 38; Autosomal dominant nonsyndromic deafness 6. Identifiers: Orphanet 90635, MedGen C1833021, MONDO:0010963, OMIM 600965.
Type 2 diabetes mellitus. Also called: Type II diabetes mellitus. Identifiers: MedGen C0011860, MeSH D003924, MONDO:0005148, OMIM 125853, HP:0005978.
Wolfram-like syndrome. Also called: HEARING LOSS, PROGRESSIVE, WITH OPTIC ATROPHY AND/OR IMPAIRED GLUCOSE REGULATION. Identifiers: Orphanet 411590, MedGen C3280358, MONDO:0013673, OMIM 614296.
Wolfram syndrome 1 (WFS1). Identifiers: Orphanet 3463, MedGen C4551693, MONDO:0009101, OMIM 222300.
Cataract 41 (CTRCT41). Also called: CATARACT 41, CONGENITAL NUCLEAR TYPE. Identifiers: Orphanet 91492, Orphanet 98991, Orphanet 98992, Orphanet 98995, MedGen C3805412, MONDO:0007287, OMIM 116400.

Submissions (2):

GeneDx
Classification: Uncertain significance. Last evaluated: 2024-12-20. Review status: criteria provided, single submitter. Criteria: GeneDx Variant Classification Process June 2021. Collection method: clinical testing. Allele origin: germline. Affected: yes.
Comment: Has not been previously published as pathogenic or benign to our knowledge; Not observed at significant frequency in large population cohorts (gnomAD); In silico analysis indicates that this missense variant does not alter protein structure/function

Fulgent Genetics
Classification: Uncertain significance for Cataract 41; Type 2 diabetes mellitus; Wolfram syndrome 1; Autosomal dominant nonsyndromic hearing loss 6; Wolfram-like syndrome. Last evaluated: 2024-04-29. Review status: criteria provided, single submitter. Criteria: ACMG Guidelines, 2015. Collection method: clinical testing. Allele origin: germline.